The following is an entry in ClinVar:

NM_014714.4(IFT140):c.778C>T (p.Pro260Ser)

Genes: IFT140 (intraflagellar transport 140; minus strand), LOC105371046 (uncharacterized LOC105371046; plus strand). Cytogenetic location: 16p13.3.
Variant type: single nucleotide variant.
Coding change: c.778C>T on transcript NM_014714.4 (MANE Select); coding-DNA position 778, C replaced by T.
Protein change: p.Pro260Ser; replaces proline 260 with serine.
Molecular consequence: missense variant.
Genome position (GRCh38, 1-based): chr16:1,589,637, G>A on the plus strand (C>T on the coding strand, the complement: IFT140 is on the minus strand). VCF-style: chr16-1589637-G-A. GRCh37 (hg19) VCF-style: chr16-1639638-G-A.
Other names: short protein forms P260S.
Identifiers: ClinVar variation 318204 (VCV000318204.14), dbSNP rs369671309, ClinGen allele CA7814576.

ClinVar aggregate classification (germline): Conflicting classifications of pathogenicity. Review status: criteria provided, conflicting classifications (1 of 4 stars). 5 submissions from 5 submitters: Uncertain significance (3); Likely benign (2). Last evaluated 2026-01-20.

Conditions:
Saldino-Mainzer syndrome (SRTD9). Also called: short-rib thoracic dysplasia 9 with or without polydactyly; SHORT-RIB THORACIC DYSPLASIA 9 WITHOUT POLYDACTYLY; Renal dysplasia, retinal pigmentary dystrophy, cerebellar ataxia and skeletal dysplasia; CONORENAL SYNDROME. Identifiers: Orphanet 140969, MedGen C1849437, MONDO:0009964, OMIM 266920.
Retinitis pigmentosa 80 (RP80). Identifiers: MedGen C4540439, MONDO:0054708, OMIM 617781.
IFT140-related disorder. Also called: IFT140-related condition.
Inborn genetic diseases. Identifiers: MedGen C0950123, MeSH D030342.

Allele frequency attached by ClinVar (database versions not stated): gnomAD 0.00006 and 0.00007; ExAC 0.00008; ESP Exome Variant Server 0.00008; TOPMed 0.00009.
gnomAD v4.1: 70 of 1,613,996 alleles (0.0043%); highest among the groups gnomAD compares: African/African-American, 0.0027%; no homozygotes.

Submissions (5):

Labcorp Genetics (formerly Invitae), Labcorp
Classification: Likely benign for Saldino-Mainzer syndrome. Last evaluated: 2026-01-20. Review status: criteria provided, single submitter. Criteria: Invitae Variant Classification Sherloc (09022015). Collection method: clinical testing. Allele origin: germline.

PreventionGenetics, part of Exact Sciences
Classification: Likely benign for IFT140-related condition. Last evaluated: 2025-12-05. Review status: criteria provided, single submitter. Criteria: ACMG Guidelines, 2015. Collection method: clinical testing. Allele origin: germline.
Comment: This variant is classified as likely benign based on ACMG/AMP sequence variant interpretation guidelines (Richards et al. 2015 PMID: 25741868, with internal and published modifications).

Ambry Genetics
Classification: Uncertain significance for Inborn genetic diseases. Last evaluated: 2023-03-28. Review status: criteria provided, single submitter. Criteria: Ambry Variant Classification Scheme 2023. Collection method: clinical testing. Allele origin: germline.

Fulgent Genetics
Classification: Uncertain significance for Saldino-Mainzer syndrome; Retinitis pigmentosa 80. Last evaluated: 2022-02-12. Review status: criteria provided, single submitter. Criteria: ACMG Guidelines, 2015. Collection method: clinical testing. Allele origin: unknown.

Illumina Laboratory Services, Illumina
Classification: Uncertain significance for Saldino-Mainzer syndrome. Last evaluated: 2018-01-13. Review status: criteria provided, single submitter. Criteria: ICSL Variant Classification Criteria 13 December 2019. Collection method: clinical testing. Allele origin: germline.